The following is an entry in ClinVar:

NM_022436.3(ABCG5):c.1248C>G (p.Ile416Met)

Genes: ABCG5 (ATP binding cassette subfamily G member 5; minus strand), DYNC2LI1 (dynein cytoplasmic 2 light intermediate chain 1; plus strand). Cytogenetic location: 2p21.
Variant type: single nucleotide variant.
Coding change: c.1248C>G on transcript NM_022436.3 (MANE Select); coding-DNA position 1248, C replaced by G.
Protein change: p.Ile416Met; replaces isoleucine 416 with methionine.
Molecular consequence: missense variant. On other transcripts: intron variant (2).
Genome position (GRCh38, 1-based): chr2:43,823,989, G>C on the plus strand (C>G on the coding strand, the complement: ABCG5 is on the minus strand). VCF-style: chr2-43823989-G-C. GRCh37 (hg19) VCF-style: chr2-44051128-G-C.
Other names: c.*16-3397G>C (NM_001348913.2, NM_001348912.2); short protein forms I416M.
Identifiers: ClinVar variation 2564010 (VCV002564010.3), dbSNP rs2466000825, ClinGen allele CA346664192.

ClinVar aggregate classification (germline): Uncertain significance (1 of 4 stars; one submission).

Conditions:
Cardiovascular phenotype. Identifiers: MedGen CN230736.

Submission:

Ambry Genetics
Classification: Uncertain significance for Cardiovascular phenotype. Last evaluated: 2025-08-28. Review status: criteria provided, single submitter. Criteria: Ambry Variant Classification Scheme 2023. Collection method: clinical testing. Allele origin: germline.
Comment: The p.I416M variant (also known as c.1248C>G), located in coding exon 9 of the ABCG5 gene, results from a C to G substitution at nucleotide position 1248. The isoleucine at codon 416 is replaced by methionine, an amino acid with highly similar properties. This amino acid position is conserved. In addition, this alteration is predicted to be tolerated by in silico analysis. Since supporting evidence is limited at this time, the clinical significance of this alteration remains unclear.